The following is an entry in ClinVar:

NM_004064.5(CDKN1B):c.587G>C (p.Arg196Pro)

Gene: CDKN1B (cyclin dependent kinase inhibitor 1B; plus strand). Cytogenetic location: 12p13.1.
Variant type: single nucleotide variant.
Coding change: c.587G>C on transcript NM_004064.5 (MANE Select); coding-DNA position 587, G replaced by C.
Protein change: p.Arg196Pro; replaces arginine 196 with proline.
Molecular consequence: missense variant.
Genome position (GRCh38, 1-based): chr12:12,718,936, G>C. VCF-style: chr12-12718936-G-C. GRCh37 (hg19) VCF-style: chr12-12871870-G-C.
Other names: short protein forms R196P.
Identifiers: ClinVar variation 1717421 (VCV001717421.5), dbSNP rs112962540, ClinGen allele CA383973210.

ClinVar aggregate classification (germline): Uncertain significance (1 of 4 stars; one submission).

Conditions:
Multiple endocrine neoplasia type 4. Also called: MULTIPLE ENDOCRINE NEOPLASIA, TYPE IV. Identifiers: Orphanet 276152, MedGen C1970712, MONDO:0012552, OMIM 610755.

Submission:

Labcorp Genetics (formerly Invitae), Labcorp
Classification: Uncertain significance for Multiple endocrine neoplasia type 4. Last evaluated: 2024-07-15. Review status: criteria provided, single submitter. Criteria: Invitae Variant Classification Sherloc (09022015). Collection method: clinical testing. Allele origin: germline.
Comment: This sequence change replaces arginine, which is basic and polar, with proline, which is neutral and non-polar, at codon 196 of the CDKN1B protein (p.Arg196Pro). This variant is not present in population databases (gnomAD no frequency). This variant has not been reported in the literature in individuals affected with CDKN1B-related conditions. ClinVar contains an entry for this variant (Variation ID: 1717421). An algorithm developed to predict the effect of missense changes on protein structure and function (PolyPhen-2) suggests that this variant is likely to be disruptive. In summary, the available evidence is currently insufficient to determine the role of this variant in disease. Therefore, it has been classified as a Variant of Uncertain Significance.